The following is an entry in ClinVar:

ClinVar aggregate classification (germline): Benign. Review status: criteria provided, multiple submitters, no conflicts (2 of 4 stars). 4 submissions from 4 submitters: Benign (4). Last evaluated 2026-01-31.

Conditions:
Renal carnitine transport defect (CDSP). Also called: CARNITINE DEFICIENCY, SYSTEMIC, DUE TO DEFECT IN RENAL REABSORPTION OF CARNITINE; CARNITINE TRANSPORTER, PLASMA-MEMBRANE, DEFICIENCY OF; CARNITINE UPTAKE DEFECT; Primary carnitine deficiency; Systemic primary carnitine deficiency; Carnitine transporter deficiency. Identifiers: Orphanet 158, MedGen C0342788, MONDO:0008919, OMIM 212140.

Allele frequency attached by ClinVar (database versions not stated): gnomAD 0.58257 and 0.59832; TOPMed 0.58738; gnomAD exomes 0.59648; 1000 Genomes Project 30x 0.72127; 1000 Genomes Project 0.73303.

Submissions (4):

Labcorp Genetics (formerly Invitae), Labcorp
Classification: Benign for Renal carnitine transport defect. Last evaluated: 2026-01-31. Review status: criteria provided, single submitter. Criteria: Invitae Variant Classification Sherloc (09022015). Collection method: clinical testing. Allele origin: germline.

Genome-Nilou Lab
Classification: Benign for Renal carnitine transport defect. Last evaluated: 2021-07-15. Review status: criteria provided, single submitter. Criteria: ACMG Guidelines, 2015. Collection method: clinical testing. Allele origin: germline. Affected: no.

Illumina Laboratory Services, Illumina
Classification: Benign for Renal carnitine transport defect. Last evaluated: 2018-03-06. Review status: criteria provided, single submitter. Criteria: ICSL Variant Classification Criteria 13 December 2019. Collection method: clinical testing. Allele origin: germline.
Comment: This variant was observed in the ICSL laboratory as part of a predisposition screen in an ostensibly healthy population. It had not been previously curated by ICSL or reported in the Human Gene Mutation Database (HGMD: prior to June 1st, 2018), and was therefore a candidate for classification through an automated scoring system. Utilizing variant allele frequency, disease prevalence and penetrance estimates, and inheritance mode, an automated score was calculated to assess if this variant is too frequent to cause the disease. Based on the score and internal cut-off values, a variant classified as benign is not then subjected to further curation. The score for this variant resulted in a classification of benign for this disease.

GeneDx
Classification: Benign. Last evaluated: 2015-03-03. Review status: criteria provided, single submitter. Criteria: GeneDx Variant Classification Process June 2021. Collection method: clinical testing. Allele origin: germline. Affected: yes.
Comment: This variant is associated with the following publications: (PMID: 23127916, 16931768, 15107849, 19141711, 22325173, 21279723, 16255050)

NM_003060.4(SLC22A5):c.-207C>G

Genes: MIR3936HG (MIR3936 host gene; minus strand), SLC22A5 (solute carrier family 22 member 5; plus strand), LOC129994569 (ATAC-STARR-seq lymphoblastoid silent region 16317; plus strand). Cytogenetic location: 5q31.1.
Variant type: single nucleotide variant.
Coding change: c.-207C>G on transcript NM_003060.4 (MANE Select); 207 bases upstream of the start codon, C replaced by G.
Molecular consequence: 5 prime UTR variant.
Genome position (GRCh38, 1-based): chr5:132,369,766, C>G. VCF-style: chr5-132369766-C-G. GRCh37 (hg19) VCF-style: chr5-131705458-C-G.
Other names: c.-207C>G (NM_001308122.2).
Identifiers: ClinVar variation 350806 (VCV000350806.17), dbSNP rs2631367, ClinGen allele CA10622509.